The following is an entry in ClinVar:

ClinVar aggregate classification (germline): Conflicting classifications of pathogenicity. Review status: criteria provided, conflicting classifications (1 of 4 stars). 2 submissions from 2 submitters: Uncertain significance (1); Likely benign (1). Last evaluated 2023-02-28.

Conditions:
Ataxia-telangiectasia syndrome (AT). Also called: ATAXIA-TELANGIECTASIA, COMPLEMENTATION GROUP A; ATAXIA-TELANGIECTASIA, FRESNO VARIANT; Ataxia-telangiectasia; Ataxia-telangiectasia, complementation group D; Ataxia-telangiectasia, complementation group E; Ataxia telangiectasia (A-T). Identifiers: Orphanet 100, MedGen C0004135, MONDO:0008840, OMIM 208900.
Hereditary cancer-predisposing syndrome. Also called: Hereditary Cancer Syndrome; Hereditary neoplastic syndrome; Tumor predisposition; Neoplastic Syndromes, Hereditary. Identifiers: Orphanet 140162, MedGen C0027672, MeSH D009386, MONDO:0015356.

Submissions (2):

Ambry Genetics
Classification: Likely benign for Hereditary cancer-predisposing syndrome. Last evaluated: 2023-02-28. Review status: criteria provided, single submitter. Criteria: Ambry Variant Classification Scheme 2023. Collection method: clinical testing. Allele origin: germline.

Labcorp Genetics (formerly Invitae), Labcorp
Classification: Uncertain significance for Ataxia-telangiectasia syndrome. Last evaluated: 2021-01-07. Review status: criteria provided, single submitter. Criteria: Invitae Variant Classification Sherloc (09022015). Collection method: clinical testing. Allele origin: germline.
Comment: Advanced modeling of protein sequence and biophysical properties (such as structural, functional, and spatial information, amino acid conservation, physicochemical variation, residue mobility, and thermodynamic stability) performed at Invitae indicates that this missense variant is not expected to disrupt ATM protein function. In summary, the available evidence is currently insufficient to determine the role of this variant in disease. Therefore, it has been classified as a Variant of Uncertain Significance. This variant has not been reported in the literature in individuals with ATM-related conditions. This variant is not present in population databases (ExAC no frequency). This sequence change replaces leucine with phenylalanine at codon 236 of the ATM protein (p.Leu236Phe). The leucine residue is moderately conserved and there is a small physicochemical difference between leucine and phenylalanine.

NM_000051.4(ATM):c.706C>T (p.Leu236Phe)

Gene: ATM (ATM serine/threonine kinase; plus strand). Cytogenetic location: 11q22.3.
Variant type: single nucleotide variant.
Coding change: c.706C>T on transcript NM_000051.4 (MANE Select); coding-DNA position 706, C replaced by T.
Protein change: p.Leu236Phe; replaces leucine 236 with phenylalanine.
Molecular consequence: missense variant.
Genome position (GRCh38, 1-based): chr11:108,244,831, C>T. VCF-style: chr11-108244831-C-T. GRCh37 (hg19) VCF-style: chr11-108115558-C-T.
Other names: c.706C>T (NM_000051.3); c.706C>T, p.Leu236Phe (NM_001351834.2); short protein forms L236F.
Identifiers: ClinVar variation 1363164 (VCV001363164.9), dbSNP rs886042866, ClinGen allele CA382529148.